The following is an entry in ClinVar:

ClinVar aggregate classification (germline): Likely benign. Review status: criteria provided, single submitter (1 of 4 stars). 2 submissions from 2 submitters: Likely benign (1). 1 of the submissions does not count toward it. Last evaluated 2026-07-01.

Conditions:
TAF15-related disorder. Also called: TAF15-related condition.

Allele frequency attached by ClinVar (database versions not stated): gnomAD 0.00005; gnomAD exomes 0.00010; ExAC 0.00011; 1000 Genomes Project 0.00100.
gnomAD v4.1: 147 of 1,596,522 alleles (0.0092%); highest among the groups gnomAD compares: East Asian, 0.14%; no homozygotes.

Submissions (2):

CeGaT Center for Human Genetics Tuebingen
Classification: Likely benign. Last evaluated: 2026-07-01. Review status: criteria provided, single submitter. Criteria: CeGaT Center For Human Genetics Tuebingen Variant Classification Criteria Version 2. Collection method: clinical testing. Allele origin: germline. Affected: yes. Observed: 2 variant alleles.
Comment: TAF15: BP4, BP7

PreventionGenetics, part of Exact Sciences
Classification: Likely benign for TAF15-related condition. Last evaluated: 2019-06-06. Review status: no assertion criteria provided. Collection method: clinical testing. Allele origin: germline. Not counted in ClinVar's aggregate classification.
Comment: This variant is classified as likely benign based on ACMG/AMP sequence variant interpretation guidelines (Richards et al. 2015 PMID: 25741868, with internal and published modifications).

NM_139215.3(TAF15):c.1371G>A (p.Gly457=)

Gene: TAF15 (TATA-box binding protein associated factor 15; plus strand). Cytogenetic location: 17q12.
Variant type: single nucleotide variant.
Coding change: c.1371G>A on transcript NM_139215.3 (MANE Select); coding-DNA position 1371, G replaced by A.
Protein change: p.Gly457=; no amino-acid change (glycine 457 retained).
Molecular consequence: synonymous variant.
Genome position (GRCh38, 1-based): chr17:35,844,670, G>A. VCF-style: chr17-35844670-G-A. GRCh37 (hg19) VCF-style: chr17-34171674-G-A.
Other names: c.1362G>A, p.Gly454= (NM_003487.4).
Identifiers: ClinVar variation 3044606 (VCV003044606.6), dbSNP rs530070745, ClinGen allele CA290041357.